The following is an entry in ClinVar:

ClinVar aggregate classification (germline): Likely benign. Review status: criteria provided, multiple submitters, no conflicts (2 of 4 stars). 3 submissions from 3 submitters: Likely benign (3). Last evaluated 2025-12-06.

Conditions:
Spermatogenic failure 18. Identifiers: MedGen C4539783, MONDO:0054615, OMIM 617576.
Ciliary dyskinesia, primary, 37 (CILD37). Also called: CILIARY DYSKINESIA, PRIMARY, 37, WITH OR WITHOUT SITUS INVERSUS. Identifiers: MedGen C4539798, MONDO:0033204, OMIM 617577.

Allele frequency attached by ClinVar (database versions not stated): ExAC 0.00002; TOPMed 0.00002; gnomAD exomes 0.00003 and 0.00005; gnomAD 0.00004 and 0.00005; 1000 Genomes Project 0.00020; 1000 Genomes Project 30x 0.00031.
gnomAD v4.1: 78 of 1,613,996 alleles (0.0048%); highest among the groups gnomAD compares: Non-Finnish European, 0.006%; no homozygotes.

Submissions (3):

Labcorp Genetics (formerly Invitae), Labcorp
Classification: Likely benign for Ciliary dyskinesia, primary, 37; Spermatogenic failure 18. Last evaluated: 2025-12-06. Review status: criteria provided, single submitter. Criteria: Invitae Variant Classification Sherloc (09022015). Collection method: clinical testing. Allele origin: germline.

Blueprint Genetics
Classification: Likely benign. Last evaluated: 2023-03-09. Review status: criteria provided, single submitter. Criteria: ACMG Guidelines, 2015. Collection method: clinical testing. Allele origin: germline.

CeGaT Center for Human Genetics Tuebingen
Classification: Likely benign. Last evaluated: 2022-07-01. Review status: criteria provided, single submitter. Criteria: CeGaT Center For Human Genetics Tuebingen Variant Classification Criteria Version 2. Collection method: clinical testing. Allele origin: germline. Affected: yes. Observed: 1 variant allele.
Comment: DNAH1: BP4, BP7

NM_015512.5(DNAH1):c.1881C>T (p.Ser627=)

Gene: DNAH1 (dynein axonemal heavy chain 1; plus strand). Cytogenetic location: 3p21.1.
Variant type: single nucleotide variant.
Coding change: c.1881C>T on transcript NM_015512.5 (MANE Select); coding-DNA position 1881, C replaced by T.
Protein change: p.Ser627=; no amino-acid change (serine 627 retained).
Molecular consequence: synonymous variant.
Genome position (GRCh38, 1-based): chr3:52,346,696, C>T. VCF-style: chr3-52346696-C-T. GRCh37 (hg19) VCF-style: chr3-52380712-C-T.
Identifiers: ClinVar variation 762330 (VCV000762330.35), dbSNP rs193290403, ClinGen allele CA2433070.